The following is an entry in ClinVar:

NM_000243.3(MEFV):c.2236T>C (p.Cys746Arg)

Gene: MEFV (MEFV innate immunity regulator, pyrin; minus strand). Cytogenetic location: 16p13.3.
Variant type: single nucleotide variant.
Coding change: c.2236T>C on transcript NM_000243.3 (MANE Select); coding-DNA position 2236, T replaced by C.
Protein change: p.Cys746Arg; replaces cysteine 746 with arginine.
Molecular consequence: missense variant. On other transcripts: 3 prime UTR variant (1).
Genome position (GRCh38, 1-based): chr16:3,243,251, A>G on the plus strand (T>C on the coding strand, the complement: MEFV is on the minus strand). VCF-style: chr16-3243251-A-G. GRCh37 (hg19) VCF-style: chr16-3293251-A-G.
Other names: c.*440T>C (NM_001198536.2); short protein forms C746R.
Identifiers: ClinVar variation 1320936 (VCV001320936.3), dbSNP rs1407457811, ClinGen allele CA394485040.

ClinVar aggregate classification (germline): Uncertain significance. Review status: criteria provided, multiple submitters, no conflicts (2 of 4 stars). 2 submissions from 2 submitters: Uncertain significance (2). Last evaluated 2024-02-19.

Conditions:
Familial Mediterranean fever (FMF). Also called: Periodic peritonitis; Benign paroxysmal peritonitis; POLYSEROSITIS, FAMILIAL PAROXYSMAL; POLYSEROSITIS, RECURRENT. Identifiers: Orphanet 342, MedGen C0031069, MONDO:0018088, OMIM 249100. Disease mechanism: gain of function.
Familial Mediterranean fever, autosomal dominant. Also called: Dominant Familial Mediterranean Fever; FMF, AUTOSOMAL DOMINANT. Identifiers: Orphanet 342, MedGen C1851347, MONDO:0007601, OMIM 134610.
Acute febrile neutrophilic dermatosis (AFND). Also called: Sweet Syndrome; Gomm Button disease. Identifiers: Orphanet 3243, MedGen C0085077, MONDO:0011959, OMIM 608068.

Allele frequency attached by ClinVar (database versions not stated): gnomAD exomes 0.00001 and below 0.00001.
gnomAD v4.1: 14 of 1,614,242 alleles (0.00087%); highest among the groups gnomAD compares: Non-Finnish European, 0.0012%; no homozygotes.

Submissions (2):

Fulgent Genetics
Classification: Uncertain significance for Familial Mediterranean fever, autosomal dominant; Familial Mediterranean fever; Acute febrile neutrophilic dermatosis. Last evaluated: 2024-02-19. Review status: criteria provided, single submitter. Criteria: ACMG Guidelines, 2015. Collection method: clinical testing. Allele origin: germline.

GeneDx
Classification: Uncertain significance. Last evaluated: 2019-12-30. Review status: criteria provided, single submitter. Criteria: GeneDx Variant Classification Process June 2021. Collection method: clinical testing. Allele origin: germline. Affected: yes.
Comment: Not observed at a significant frequency in large population cohorts (Lek et al., 2016); In silico analysis, which includes protein predictors and evolutionary conservation, supports that this variant does not alter protein structure/function; Has not been previously published as pathogenic or benign to our knowledge